The following is an entry in ClinVar:

NM_000122.2(ERCC3):c.20C>T (p.Ala7Val)

Gene: ERCC3 (ERCC excision repair 3, TFIIH core complex helicase subunit; minus strand). Cytogenetic location: 2q14.3.
Variant type: single nucleotide variant.
Coding change: c.20C>T on transcript NM_000122.2 (MANE Select); coding-DNA position 20, C replaced by T.
Protein change: p.Ala7Val; replaces alanine 7 with valine.
Molecular consequence: missense variant. On other transcripts: 5 prime UTR variant (2).
Genome position (GRCh38, 1-based): chr2:127,294,062, G>A on the plus strand (C>T on the coding strand, the complement: ERCC3 is on the minus strand). VCF-style: chr2-127294062-G-A. GRCh37 (hg19) VCF-style: chr2-128051638-G-A.
Other names: c.-370C>T (NM_001303416.2); c.-432C>T (NM_001303418.2); short protein forms A7V.
Identifiers: ClinVar variation 2178709 (VCV002178709.2), dbSNP rs1461005787, ClinGen allele CA348392462.
Genomic context (GRCh38, chr2:127,294,062, plus strand): 5'-GGCAGGGCCGGCAAGGGCAGTCGTGGCTGAGCGTGCCCGCGCAACGTCTCACCGCGGTCC[G>A]CTCGGTCTCTTTTGCCCATGGCAGCTACAGCAGCAGAGAGAAGATGACCCCGCTCCCACA-3'
Protein context (NP_000113.1, residues 1-17): MGKRDR[Ala7Val]DRDKKKSRKR

ClinVar aggregate classification (germline): Uncertain significance (1 of 4 stars; one submission).

Allele frequency attached by ClinVar (database versions not stated): TOPMed below 0.00001; gnomAD exomes 0.00001; gnomAD 0.00002.
gnomAD v4.1: 6 of 1,607,326 alleles (0.00037%); highest among the groups gnomAD compares: Non-Finnish European, 0.00051%; no homozygotes.

Submission:

Labcorp Genetics (formerly Invitae), Labcorp
Classification: Uncertain significance. Last evaluated: 2022-03-18. Review status: criteria provided, single submitter. Criteria: Invitae Variant Classification Sherloc (09022015). Collection method: clinical testing. Allele origin: germline.
Comment: In summary, the available evidence is currently insufficient to determine the role of this variant in disease. Therefore, it has been classified as a Variant of Uncertain Significance. Algorithms developed to predict the effect of missense changes on protein structure and function output the following: SIFT: "Tolerated"; PolyPhen-2: "Not Available"; Align-GVGD: "Class C0". The valine amino acid residue is found in multiple mammalian species, which suggests that this missense change does not adversely affect protein function. This variant has not been reported in the literature in individuals affected with ERCC3-related conditions. This variant is present in population databases (no rsID available, gnomAD 0.007%). This sequence change replaces alanine, which is neutral and non-polar, with valine, which is neutral and non-polar, at codon 7 of the ERCC3 protein (p.Ala7Val).